The following is an entry in ClinVar:

ClinVar aggregate classification (germline): Pathogenic/Likely pathogenic. Review status: criteria provided, multiple submitters, no conflicts (2 of 4 stars). 4 submissions from 4 submitters: Pathogenic (2); Likely pathogenic (2). Last evaluated 2024-09-05.

Conditions:
Autosomal dominant Alport syndrome (ATS3A). Also called: Alport syndrome dominant type; Renal failure and sensorineural hearing loss; ALPORT SYNDROME 3A, AUTOSOMAL DOMINANT. Identifiers: Orphanet 63, Orphanet 88918, MedGen C5882663, MONDO:0007086, OMIM 104200.
Hematuria, benign familial, 2 (BFH2). Identifiers: MedGen C5830421, MONDO:0958186, OMIM 620320.
Alport syndrome 3b, autosomal recessive. Identifiers: MedGen C5882699, MONDO:0957811, OMIM 620536.
Alport syndrome. Also called: Hemorrhagic familial nephritis; Hemorrhagic hereditary nephritis; Congenital hereditary hematuria. Identifiers: Orphanet 63, MedGen C1567741, MONDO:0018965.
Autosomal recessive Alport syndrome (ATS2). Also called: Alport syndrome type 2; COL4A4 Alport Syndrome and Thin Basement Membrane Nephropathy; ALPORT SYNDROME 2, AUTOSOMAL RECESSIVE; COL4A3-Related Nephropathy. Identifiers: Orphanet 63, Orphanet 88919, MedGen C4746745, MONDO:0008762, OMIM 203780.

Submissions (4):

Natera, Inc.
Classification: Likely pathogenic for Alport syndrome. Last evaluated: 2024-09-05. Review status: criteria provided, single submitter. Criteria: Natera Variant Classification Schema (03/2026). Collection method: clinical testing. Allele origin: germline.
Comment: The c.560_563delCTCC variant in COL4A3 is a frameshift variant predicted to shift the reading frame beginning at codon 187 and leads to a stop codon 35 codons downstream. This variant is expected to result in nonsense mediated decay, truncation, or a dysfunctional protein product. This variant is rare in the general population with a frequency below the threshold expected for the associated phenotype(s). Given the available evidence, this variant is classified as Likely Pathogenic.

Women's Health and Genetics/Laboratory Corporation of America, LabCorp
Classification: Pathogenic for Autosomal recessive Alport syndrome. Last evaluated: 2024-06-20. Review status: criteria provided, single submitter. Criteria: LabCorp Variant Classification Summary - May 2015. Collection method: clinical testing. Allele origin: germline.
Comment: Variant summary: COL4A3 c.560_563delCTCC (p.Pro187GlnfsX35) results in a premature termination codon, predicted to cause a truncation of the encoded protein or absence of the protein due to nonsense mediated decay, which are commonly known mechanisms for disease. The variant allele was found at a frequency of 1.6e-05 in 249360 control chromosomes. To our knowledge, no occurrence of c.560_563delCTCC in individuals affected with COL4A3-related conditions have been reported. ClinVar contains an entry for this variant (Variation ID: 952389). Based on the evidence outlined above, the variant was classified as pathogenic.

Fulgent Genetics
Classification: Likely pathogenic for Autosomal dominant Alport syndrome; Hematuria, benign familial, 2; Alport syndrome 3b, autosomal recessive. Last evaluated: 2024-06-05. Review status: criteria provided, single submitter. Criteria: ACMG Guidelines, 2015. Collection method: clinical testing. Allele origin: germline.

Labcorp Genetics (formerly Invitae), Labcorp
Classification: Pathogenic. Last evaluated: 2022-05-14. Review status: criteria provided, single submitter. Criteria: Invitae Variant Classification Sherloc (09022015). Collection method: clinical testing. Allele origin: germline.
Comment: For these reasons, this variant has been classified as Pathogenic. ClinVar contains an entry for this variant (Variation ID: 952389). This variant has not been reported in the literature in individuals affected with COL4A3-related conditions. This variant is present in population databases (rs749348004, gnomAD 0.009%). This sequence change creates a premature translational stop signal (p.Pro187Glnfs*35) in the COL4A3 gene. It is expected to result in an absent or disrupted protein product. Loss-of-function variants in COL4A3 are known to be pathogenic (PMID: 8956999, 24854265, 26809805, 27281700).

Literature cited by the submitters: PubMed 8956999 (cited by Labcorp Genetics (formerly Invitae), Labcorp); PubMed 24854265 (cited by Labcorp Genetics (formerly Invitae), Labcorp); PubMed 26809805 (cited by Labcorp Genetics (formerly Invitae), Labcorp); PubMed 27281700 (cited by Labcorp Genetics (formerly Invitae), Labcorp).

NM_000091.5(COL4A3):c.560_563del (p.Pro187fs)

Genes: COL4A3 (collagen type IV alpha 3 chain; plus strand), MFF-DT (MFF divergent transcript; minus strand). Cytogenetic location: 2q36.3.
Variant type: Deletion.
Coding change: c.560_563del on transcript NM_000091.5 (MANE Select); coding-DNA positions 560 to 563, 4 bases deleted (CTCC; older notation c.560_563delCTCC).
Protein change: p.Pro187fs; shifts the reading frame from proline 187.
Molecular consequence: frameshift variant.
Genome position (GRCh38, 1-based): chr2:227,251,153-227,251,156, CTCC deleted; deleting any 4 consecutive bases within chr2:227,251,151-227,251,156 gives the same sequence; the c. name uses the placement nearest the transcript's 3' end. VCF-style (leftmost placement, unchanged base first): chr2-227251150-GCCCT-G. GRCh37 (hg19) VCF-style: chr2-228115866-GCCCT-G.
Other names: c.560_563delCTCC (NM_000091.5, NM_000091.4); short protein forms P187fs.
Identifiers: ClinVar variation 952389 (VCV000952389.10), dbSNP rs749348004, ClinGen allele CA2146214.